The following is an entry in ClinVar:

ClinVar aggregate classification (germline): Uncertain significance. Review status: criteria provided, multiple submitters, no conflicts (2 of 4 stars). 2 submissions from 2 submitters: Uncertain significance (2). Last evaluated 2025-11-15.

Conditions:
Hereditary cancer-predisposing syndrome. Also called: Hereditary Cancer Syndrome; Neoplastic Syndromes, Hereditary; Tumor predisposition; Hereditary neoplastic syndrome. Identifiers: Orphanet 140162, MedGen C0027672, MeSH D009386, MONDO:0015356.

Submissions (2):

Ambry Genetics
Classification: Uncertain significance for Hereditary cancer-predisposing syndrome. Last evaluated: 2025-11-15. Review status: criteria provided, single submitter. Criteria: Ambry Variant Classification Scheme 2023. Collection method: clinical testing. Allele origin: germline.
Comment: The p.R1016W variant (also known as c.3046A>T), located in coding exon 20 of the RAD50 gene, results from an A to T substitution at nucleotide position 3046. The arginine at codon 1016 is replaced by tryptophan, an amino acid with dissimilar properties. This amino acid position is highly conserved in available vertebrate species. In addition, the in silico prediction for this alteration is inconclusive. Since supporting evidence is limited at this time, the clinical significance of this alteration remains unclear.

Labcorp Genetics (formerly Invitae), Labcorp
Classification: Uncertain significance for Hereditary cancer-predisposing syndrome. Last evaluated: 2025-07-31. Review status: criteria provided, single submitter. Criteria: Invitae Variant Classification Sherloc (09022015). Collection method: clinical testing. Allele origin: germline.
Comment: This sequence change replaces arginine, which is basic and polar, with tryptophan, which is neutral and slightly polar, at codon 1016 of the RAD50 protein (p.Arg1016Trp). This variant is not present in population databases (gnomAD no frequency). This variant has not been reported in the literature in individuals affected with RAD50-related conditions. ClinVar contains an entry for this variant (Variation ID: 480462). Invitae Evidence Modeling of protein sequence and biophysical properties (such as structural, functional, and spatial information, amino acid conservation, physicochemical variation, residue mobility, and thermodynamic stability) indicates that this missense variant is expected to disrupt RAD50 protein function with a positive predictive value of 80%. In summary, the available evidence is currently insufficient to determine the role of this variant in disease. Therefore, it has been classified as a Variant of Uncertain Significance.

NM_005732.4(RAD50):c.3046A>T (p.Arg1016Trp)

Gene: RAD50 (RAD50 double strand break repair protein; plus strand). Cytogenetic location: 5q31.1.
Variant type: single nucleotide variant.
Coding change: c.3046A>T on transcript NM_005732.4 (MANE Select); coding-DNA position 3046, A replaced by T.
Protein change: p.Arg1016Trp; replaces arginine 1016 with tryptophan.
Molecular consequence: missense variant.
Genome position (GRCh38, 1-based): chr5:132,616,012, A>T. VCF-style: chr5-132616012-A-T. GRCh37 (hg19) VCF-style: chr5-131951704-A-T.
Other names: short protein forms R1016W.
Identifiers: ClinVar variation 480462 (VCV000480462.17), dbSNP rs1220686754, ClinGen allele CA360963404.